The following is an entry in ClinVar:

ClinVar aggregate classification (germline): Uncertain significance. Review status: criteria provided, multiple submitters, no conflicts (2 of 4 stars). 2 submissions from 2 submitters: Uncertain significance (2). Last evaluated 2025-09-25.

gnomAD v4.1: 13 of 1,614,110 alleles (0.00081%); highest among the groups gnomAD compares: East Asian, 0.0022%; no homozygotes.

Submissions (2):

Ambry Genetics
Classification: Uncertain significance. Last evaluated: 2025-09-25. Review status: criteria provided, single submitter. Criteria: Ambry Variant Classification Scheme 2023. Collection method: clinical testing. Allele origin: germline.

Labcorp Genetics (formerly Invitae), Labcorp
Classification: Uncertain significance. Last evaluated: 2024-06-17. Review status: criteria provided, single submitter. Criteria: Invitae Variant Classification Sherloc (09022015). Collection method: clinical testing. Allele origin: germline.
Comment: This sequence change replaces valine, which is neutral and non-polar, with methionine, which is neutral and non-polar, at codon 657 of the ATP2B2 protein (p.Val657Met). This variant is present in population databases (no rsID available, gnomAD 0.003%). This variant has not been reported in the literature in individuals affected with ATP2B2-related conditions. Advanced modeling of protein sequence and biophysical properties (such as structural, functional, and spatial information, amino acid conservation, physicochemical variation, residue mobility, and thermodynamic stability) performed at Invitae indicates that this missense variant is not expected to disrupt ATP2B2 protein function with a negative predictive value of 80%. In summary, the available evidence is currently insufficient to determine the role of this variant in disease. Therefore, it has been classified as a Variant of Uncertain Significance.

NM_001001331.4(ATP2B2):c.2104G>A (p.Val702Met)

Gene: ATP2B2 (ATPase plasma membrane Ca2+ transporting 2; minus strand). Cytogenetic location: 3p25.3.
Variant type: single nucleotide variant.
Coding change: c.2104G>A on transcript NM_001001331.4 (MANE Select); coding-DNA position 2104, G replaced by A.
Protein change: p.Val702Met; replaces valine 702 with methionine.
Molecular consequence: missense variant.
Genome position (GRCh38, 1-based): chr3:10,358,723, C>T on the plus strand (G>A on the coding strand, the complement: ATP2B2 is on the minus strand). VCF-style: chr3-10358723-C-T. GRCh37 (hg19) VCF-style: chr3-10400407-C-T.
Other names: c.1969G>A (NM_001683.3); c.1969G>A, p.Val657Met (NM_001330611.3, NM_001353564.1, NM_001363862.1 and 1 more transcripts); short protein forms V657M, V702M.
Identifiers: ClinVar variation 3714753 (VCV003714753.3).
Genomic context (GRCh38, chr3:10,358,723, plus strand): 5'-CCCTGAGCTCGCTGGCCCTGGGGCCTACCTCTGGCCGCACCGGGTCCTCGATGCCCACCA[C>T]GCAGATGCAGGTGAGTTCGTTGAGGATGTCATTCTCATTGTCCCAGTCCGGCTCCGGGCT-3'
Protein context (NP_001001331.1, residues 692-712): DILNELTCIC[Val702Met]VGIEDPVRPE